The following is an entry in ClinVar:

ClinVar aggregate classification (germline): Uncertain significance (1 of 4 stars; one submission).

Conditions:
Hereditary cancer-predisposing syndrome. Also called: Neoplastic Syndromes, Hereditary; Tumor predisposition; Hereditary Cancer Syndrome; Hereditary neoplastic syndrome. Identifiers: Orphanet 140162, MedGen C0027672, MeSH D009386, MONDO:0015356.

Allele frequency attached by ClinVar (database versions not stated): gnomAD exomes 0.00001.

Submission:

Ambry Genetics
Classification: Uncertain significance for Hereditary cancer-predisposing syndrome. Last evaluated: 2022-04-21. Review status: criteria provided, single submitter. Criteria: Ambry Variant Classification Scheme 2023. Collection method: clinical testing. Allele origin: germline.
Comment: The p.G282E variant (also known as c.845G>A), located in coding exon 7 of the EPCAM gene, results from a G to A substitution at nucleotide position 845. The glycine at codon 282 is replaced by glutamic acid, an amino acid with similar properties. This amino acid position is conserved. In addition, this alteration is predicted to be deleterious by in silico analysis. Since supporting evidence is limited at this time, the clinical significance of this alteration remains unclear.

NM_002354.3(EPCAM):c.845G>A (p.Gly282Glu)

Gene: EPCAM (epithelial cell adhesion molecule; plus strand). Cytogenetic location: 2p21.
Variant type: single nucleotide variant.
Coding change: c.845G>A on transcript NM_002354.3 (MANE Select); coding-DNA position 845, G replaced by A.
Protein change: p.Gly282Glu; replaces glycine 282 with glutamic acid.
Molecular consequence: missense variant.
Genome position (GRCh38, 1-based): chr2:47,379,956, G>A. VCF-style: chr2-47379956-G-A. GRCh37 (hg19) VCF-style: chr2-47607095-G-A.
Other names: short protein forms G282E.
Identifiers: ClinVar variation 1763456 (VCV001763456.2), dbSNP rs763729606, ClinGen allele CA46644714.